The following is an entry in ClinVar:

NM_006739.4(MCM5):c.379A>G (p.Met127Val)

Gene: MCM5 (minichromosome maintenance complex component 5; plus strand). Cytogenetic location: 22q12.3.
Variant type: single nucleotide variant.
Coding change: c.379A>G on transcript NM_006739.4 (MANE Select); coding-DNA position 379, A replaced by G.
Protein change: p.Met127Val; replaces methionine 127 with valine.
Molecular consequence: missense variant.
Genome position (GRCh38, 1-based): chr22:35,403,498, A>G. VCF-style: chr22-35403498-A-G. GRCh37 (hg19) VCF-style: chr22-35799491-A-G.
Other names: short protein forms M127V.
Identifiers: ClinVar variation 1345833 (VCV001345833.6), dbSNP rs148729876, ClinGen allele CA10205000.

ClinVar aggregate classification (germline): Uncertain significance (1 of 4 stars; one submission).

Allele frequency attached by ClinVar (database versions not stated): gnomAD exomes 0.00002 and 0.00006; ExAC 0.00009; gnomAD 0.00029 and 0.00030; TOPMed 0.00030; 1000 Genomes Project 30x 0.00031; 1000 Genomes Project 0.00040; ESP Exome Variant Server 0.00046.

Submission:

Labcorp Genetics (formerly Invitae), Labcorp
Classification: Uncertain significance. Last evaluated: 2024-10-08. Review status: criteria provided, single submitter. Criteria: Invitae Variant Classification Sherloc (09022015). Collection method: clinical testing. Allele origin: germline.
Comment: This sequence change replaces methionine, which is neutral and non-polar, with valine, which is neutral and non-polar, at codon 127 of the MCM5 protein (p.Met127Val). This variant is present in population databases (rs148729876, gnomAD 0.09%), and has an allele count higher than expected for a pathogenic variant. This variant has not been reported in the literature in individuals affected with MCM5-related conditions. ClinVar contains an entry for this variant (Variation ID: 1345833). Invitae Evidence Modeling of protein sequence and biophysical properties (such as structural, functional, and spatial information, amino acid conservation, physicochemical variation, residue mobility, and thermodynamic stability) indicates that this missense variant is not expected to disrupt MCM5 protein function with a negative predictive value of 80%. In summary, the available evidence is currently insufficient to determine the role of this variant in disease. Therefore, it has been classified as a Variant of Uncertain Significance.